The following is an entry in ClinVar:

NM_001123385.2(BCOR):c.2038_2040dup (p.Tyr680_Pro681insTyr)

Gene: BCOR (BCL6 corepressor; minus strand). Cytogenetic location: Xp11.4.
Variant type: Duplication.
Coding change: c.2038_2040dup on transcript NM_001123385.2 (MANE Select); coding-DNA positions 2038 to 2040, 3 bases duplicated (TAC; older notation c.2038_2040dupTAC).
Protein change: p.Tyr680_Pro681insTyr.
Molecular consequence: inframe insertion. On other transcripts: inframe indel (2).
Genome position (GRCh38, 1-based): chrX:40,073,306-40,073,308, GTA duplicated on the plus strand (TAC on the coding strand, the reverse complement: BCOR is on the minus strand); duplicating any 3 consecutive bases within chrX:40,073,306-40,073,309 gives the same sequence; the c. name uses the placement nearest the transcript's 3' end. VCF-style (leftmost placement, unchanged base first): chrX-40073305-G-GGTA. GRCh37 (hg19) VCF-style: chrX-39932558-G-GGTA.
Other names: c.2037_2039dup, p.Tyr680_Pro681insTyr (NM_001123383.2); c.2038_2040dup, p.Tyr680_Pro681insTyr (NM_001123384.2, NM_017745.6); c.2038_2040dupTAC (NM_001123385.1).
Identifiers: ClinVar variation 1784840 (VCV001784840.2), dbSNP rs2519980202, ClinGen allele CA2580100842.

ClinVar aggregate classification (germline): Uncertain significance (1 of 4 stars; one submission).

Conditions:
Inborn genetic diseases. Identifiers: MedGen C0950123, MeSH D030342.

Submission:

Ambry Genetics
Classification: Uncertain significance for Inborn genetic diseases. Last evaluated: 2014-11-14. Review status: criteria provided, single submitter. Criteria: Ambry Variant Classification Scheme 2023. Collection method: clinical testing. Allele origin: germline.
Comment: The c.2038_2040dupTAC variant (also known as p.Y680DUP) located in coding exon 3 of the BCOR gene, results from an in-frame duplication of TAC between nucleotide positions 2038 and 2040. This results in the duplication of a tyrosine at codon 680. This variant was not reported in population based cohorts in the following databases: Database of Single Nucleotide Polymorphisms (dbSNP), NHLBI Exome Sequencing Project (ESP), and 1000 Genomes Project. In the ESP, this variant was not observed in 6501 samples with coverage at this position. This amino acid position is well conserved in available vertebrate species. Since supporting evidence is limited at this time, the clinical significance of this variant remains unclear.